The following is an entry in ClinVar:

NM_022552.5(DNMT3A):c.770C>A (p.Thr257Asn)

Gene: DNMT3A (DNA methyltransferase 3 alpha; minus strand). Cytogenetic location: 2p23.3.
Variant type: single nucleotide variant.
Coding change: c.770C>A on transcript NM_022552.5 (MANE Select); coding-DNA position 770, C replaced by A.
Protein change: p.Thr257Asn; replaces threonine 257 with asparagine.
Molecular consequence: missense variant. On other transcripts: non-coding transcript variant (1).
Genome position (GRCh38, 1-based): chr2:25,248,122, G>T on the plus strand (C>A on the coding strand, the complement: DNMT3A is on the minus strand). VCF-style: chr2-25248122-G-T. GRCh37 (hg19) VCF-style: chr2-25470991-G-T.
Other names: c.314C>A, p.Thr105Asn (NM_001320893.1); c.101C>A, p.Thr34Asn (NM_001375819.1); c.203C>A, p.Thr68Asn (NM_153759.3); c.770C>A, p.Thr257Asn (NM_175629.2); short protein forms T34N, T105N, T257N, T68N.
Identifiers: ClinVar variation 4617769 (VCV004617769.1).

ClinVar aggregate classification (germline): Uncertain significance (1 of 4 stars; one submission).

Conditions:
Inborn genetic diseases. Identifiers: MedGen C0950123, MeSH D030342.

gnomAD v4.1: 1 of 1,613,744 alleles (0.000062%); highest among the groups gnomAD compares: South Asian, 0.0011%; no homozygotes.

Submission:

Ambry Genetics
Classification: Uncertain significance for Inborn genetic diseases. Last evaluated: 2025-10-22. Review status: criteria provided, single submitter. Criteria: Ambry Variant Classification Scheme 2023. Collection method: clinical testing. Allele origin: germline.
Comment: The p.T257N variant (also known as c.770C>A), located in coding exon 6 of the DNMT3A gene, results from a C to A substitution at nucleotide position 770. The threonine at codon 257 is replaced by asparagine, an amino acid with similar properties. This amino acid position is conserved. In addition, the in silico prediction for this alteration is inconclusive. Based on the available evidence, the clinical significance of this variant remains unclear.